The following is an entry in ClinVar:

NM_000434.4(NEU1):c.782A>G (p.Asn261Ser)

Gene: NEU1 (neuraminidase 1; minus strand). Cytogenetic location: 6p21.33.
Variant type: single nucleotide variant.
Coding change: c.782A>G on transcript NM_000434.4 (MANE Select); coding-DNA position 782, A replaced by G.
Protein change: p.Asn261Ser; replaces asparagine 261 with serine.
Molecular consequence: missense variant.
Genome position (GRCh38, 1-based): chr6:31,860,455, T>C on the plus strand (A>G on the coding strand, the complement: NEU1 is on the minus strand). VCF-style: chr6-31860455-T-C. GRCh37 (hg19) VCF-style: chr6-31828232-T-C.
Other names: short protein forms N261S.
Identifiers: ClinVar variation 1440874 (VCV001440874.7), dbSNP rs574803012, ClinGen allele CA3724966.

ClinVar aggregate classification (germline): Uncertain significance (1 of 4 stars; one submission).

Allele frequency attached by ClinVar (database versions not stated): gnomAD 0.00003.
gnomAD v4.1: 10 of 1,613,774 alleles (0.00062%); highest among the groups gnomAD compares: South Asian, 0.0011%; no homozygotes.

Submission:

Labcorp Genetics (formerly Invitae), Labcorp
Classification: Uncertain significance. Last evaluated: 2024-10-22. Review status: criteria provided, single submitter. Criteria: Invitae Variant Classification Sherloc (09022015). Collection method: clinical testing. Allele origin: germline.
Comment: This sequence change replaces asparagine, which is neutral and polar, with serine, which is neutral and polar, at codon 261 of the NEU1 protein (p.Asn261Ser). This variant is present in population databases (rs574803012, gnomAD 0.002%). This variant has not been reported in the literature in individuals affected with NEU1-related conditions. ClinVar contains an entry for this variant (Variation ID: 1440874). Invitae Evidence Modeling of protein sequence and biophysical properties (such as structural, functional, and spatial information, amino acid conservation, physicochemical variation, residue mobility, and thermodynamic stability) indicates that this missense variant is not expected to disrupt NEU1 protein function with a negative predictive value of 80%. In summary, the available evidence is currently insufficient to determine the role of this variant in disease. Therefore, it has been classified as a Variant of Uncertain Significance.